The following is an entry in ClinVar:

NM_007254.4(PNKP):c.640G>C (p.Val214Leu)

Gene: PNKP (polynucleotide kinase 3'-phosphatase; minus strand). Cytogenetic location: 19q13.33.
Variant type: single nucleotide variant.
Coding change: c.640G>C on transcript NM_007254.4 (MANE Select); coding-DNA position 640, G replaced by C.
Protein change: p.Val214Leu; replaces valine 214 with leucine.
Molecular consequence: missense variant.
Genome position (GRCh38, 1-based): chr19:49,864,068, C>G on the plus strand (G>C on the coding strand, the complement: PNKP is on the minus strand). VCF-style: chr19-49864068-C-G. GRCh37 (hg19) VCF-style: chr19-50367325-C-G.
Other names: short protein forms V214L.
Identifiers: ClinVar variation 2502740 (VCV002502740.1), dbSNP rs2514639430, ClinGen allele CA406886487.

ClinVar aggregate classification (germline): Uncertain significance (1 of 4 stars; one submission).

Submission:

GeneDx
Classification: Uncertain significance. Last evaluated: 2022-11-17. Review status: criteria provided, single submitter. Criteria: GeneDx Variant Classification Process June 2021. Collection method: clinical testing. Allele origin: germline. Affected: yes.
Comment: Not observed at significant frequency in large population cohorts (gnomAD); In silico analysis supports that this missense variant does not alter protein structure/function; Has not been previously published as pathogenic or benign to our knowledge; This variant is associated with the following publications: (PMID: 22508754)